The following is an entry in ClinVar:

NM_000264.5(PTCH1):c.1347+2T>A

Gene: PTCH1 (patched 1; minus strand). Cytogenetic location: 9q22.32.
Variant type: single nucleotide variant.
Coding change: c.1347+2T>A on transcript NM_000264.5 (MANE Select); the canonical splice donor site of the intron after coding-DNA position 1347, T replaced by A.
Molecular consequence: splice donor variant.
Genome position (GRCh38, 1-based): chr9:95,478,053, A>T on the plus strand (T>A on the coding strand, the complement: PTCH1 is on the minus strand). VCF-style: chr9-95478053-A-T. GRCh37 (hg19) VCF-style: chr9-98240335-A-T.
Other names: c.1344+2T>A (NM_001083603.3); c.1149+2T>A (NM_001083602.3); c.1347+2T>A (NM_001354918.2); c.894+2T>A (NM_001083605.3, NM_001083604.3, NM_001083606.3 and 1 more transcripts).
Identifiers: ClinVar variation 4735891 (VCV004735891.1).
Genomic context (GRCh38, chr9:95,478,053, plus strand): 5'-AAGTAAAGACTAAAACAACCAAACCAAACTCCAGCCCCCAGGAGCATGGCATCGAGCGTT[A>T]CCATGAGTAAGTAGCCGCTGGCCACGCGGATGACACTGACGTCAGAGAAGGATTTCAGGA-3'

ClinVar aggregate classification (germline): Pathogenic (1 of 4 stars; one submission).

Conditions:
Gorlin syndrome. Also called: Nevoid Basal Cell Carcinoma Syndrome; Basal cell nevus syndrome. Identifiers: Orphanet 377, MedGen C0004779, MONDO:0007187.

Submission:

Labcorp Genetics (formerly Invitae), Labcorp
Classification: Pathogenic for Gorlin syndrome. Last evaluated: 2026-01-21. Review status: criteria provided, single submitter. Criteria: Invitae Variant Classification Sherloc (09022015). Collection method: clinical testing. Allele origin: germline.
Comment: This sequence change affects a donor splice site in intron 9 of the PTCH1 gene. It is expected to disrupt RNA splicing. Variants that disrupt the donor or acceptor splice site typically lead to a loss of protein function (PMID: 16199547), and loss-of-function variants in PTCH1 are known to be pathogenic (PMID: 16301862, 16419085). This variant is not present in population databases (gnomAD no frequency). Disruption of this splice site has been observed in individuals with clinical features of basal cell nevus syndrome (PMID: 29575684, 33441926; internal data). Algorithms developed to predict the effect of sequence changes on RNA splicing suggest that this variant may disrupt the consensus splice site. For these reasons, this variant has been classified as Pathogenic.

Literature cited by the submitters: PubMed 16199547; PubMed 16301862; PubMed 16419085; PubMed 29575684; PubMed 33441926.